The following is an entry in ClinVar:

ClinVar aggregate classification (germline): Uncertain significance (1 of 4 stars; one submission).

Conditions:
CNOT2-related disorder. Also called: CNOT2-related condition.

gnomAD v4.1: 9 of 1,409,412 alleles (0.00064%); highest among the groups gnomAD compares: Admixed American, 0.0067%; no homozygotes.

Submission:

PreventionGenetics, part of Exact Sciences
Classification: Uncertain significance for CNOT2-related condition. Last evaluated: 2024-10-25. Review status: criteria provided, single submitter. Criteria: ACMG Guidelines, 2015. Collection method: clinical testing. Allele origin: germline.
Comment: The CNOT2 c.269G>A variant is predicted to result in the amino acid substitution p.Ser90Asn. To our knowledge, this variant has not been reported in the literature. This variant is reported in 0.0087% of alleles in individuals of Latino descent in gnomAD. At this time, the clinical significance of this variant is uncertain due to the absence of conclusive functional and genetic evidence.

NM_014515.7(CNOT2):c.269G>A (p.Ser90Asn)

Gene: CNOT2 (CCR4-NOT transcription complex subunit 2; plus strand). Cytogenetic location: 12q15.
Variant type: single nucleotide variant.
Coding change: c.269G>A on transcript NM_014515.7 (MANE Select); coding-DNA position 269, G replaced by A.
Protein change: p.Ser90Asn; replaces serine 90 with asparagine.
Molecular consequence: missense variant. On other transcripts: non-coding transcript variant (1).
Genome position (GRCh38, 1-based): chr12:70,329,453, G>A. VCF-style: chr12-70329453-G-A. GRCh37 (hg19) VCF-style: chr12-70723233-G-A.
Other names: c.269G>A, p.Ser90Asn (NM_001199302.2, NM_001199303.2, NM_001414651.1 and 2 more transcripts); c.242G>A, p.Ser81Asn (NM_001414653.1, NM_001414654.1, NM_001414655.1); c.227G>A, p.Ser76Asn (NM_001414656.1); c.209G>A, p.Ser70Asn (NM_001414657.1, NM_001414658.1, NM_001414659.1 and 1 more transcripts); c.146G>A, p.Ser49Asn (NM_001414661.1); short protein forms S49N, S70N, S76N, S81N, S90N.
Identifiers: ClinVar variation 3357651 (VCV003357651.2).